The following is an entry in ClinVar:

NM_004612.4(TGFBR1):c.1026GAA[1] (p.Lys343del)

Gene: TGFBR1 (transforming growth factor beta receptor 1; plus strand). Cytogenetic location: 9q22.33.
Variant type: Microsatellite.
Coding change: c.1026GAA[1] on transcript NM_004612.4 (MANE Select); one copy of the 3-base unit GAA starting at c.1026; the reference has two copies in a row; one copy, 3 bases deleted.
Protein change: p.Lys343del; deletes lysine 343.
Molecular consequence: inframe deletion. On other transcripts: inframe indel (21).
Genome position (GRCh38, 1-based): chr9:99,144,787-99,144,789, GAA deleted; deleting any 3 consecutive bases within chr9:99,144,782-99,144,789 gives the same sequence; the position shown is the placement nearest the transcript's 3' end. VCF-style (leftmost placement, unchanged base first): chr9-99144781-AAAG-A. GRCh37 (hg19) VCF-style: chr9-101907063-AAAG-A.
Other names: c.795GAA[1], p.Lys266del (NM_001130916.3); c.1038GAA[1], p.Lys347del (NM_001306210.2); c.870_872GAA[1], p.Lys291del (NM_001407416.1); c.858_860GAA[1], p.Lys287del (NM_001407417.1); c.831_833GAA[1], p.Lys278del (NM_001407418.1, NM_001407419.1, NM_001407420.1 and 1 more transcripts); c.819_821GAA[1], p.Lys274del (NM_001407423.1, NM_001407424.1, NM_001407425.1 and 8 more transcripts); c.795_797GAA[1], p.Lys266del (NM_001407435.1); c.780_782GAA[1], p.Lys261del (NM_001407436.1); and 2 more; short protein forms K107del, K266del, K274del, K287del, K291del, K347del, K184del, K261del.
Identifiers: ClinVar variation 1770210 (VCV001770210.4), dbSNP rs2490236697, ClinGen allele CA2580616264.
Genomic context (GRCh38, chr9:99,144,781, plus strand): 5'-TGATTCTTTAGGAAAGCCAGCCATTGCTCATAGAGATTTGAAATCAAAGAATATCTTGGT[AAAG>A]AAGAATGGAACTTGCTGTATTGCAGACTTAGGACTGGCAGTAAGACATGATTCAGCCACA-3'

ClinVar aggregate classification (germline): Uncertain significance. Review status: criteria provided, multiple submitters, no conflicts (2 of 4 stars). 2 submissions from 2 submitters: Uncertain significance (2). Last evaluated 2024-05-08.

Conditions:
Familial thoracic aortic aneurysm and aortic dissection (TAAD). Also called: Thoracic aortic aneurysms and dissections. Identifiers: Orphanet 91387, MedGen C4707243, MONDO:0019625.

Submissions (2):

Labcorp Genetics (formerly Invitae), Labcorp
Classification: Uncertain significance for Familial thoracic aortic aneurysm and aortic dissection. Last evaluated: 2024-05-08. Review status: criteria provided, single submitter. Criteria: Invitae Variant Classification Sherloc (09022015). Collection method: clinical testing. Allele origin: germline.
Comment: This variant, c.1029_1031del, results in the deletion of 1 amino acid(s) of the TGFBR1 protein (p.Lys343del), but otherwise preserves the integrity of the reading frame. This variant is not present in population databases (gnomAD no frequency). This variant has not been reported in the literature in individuals affected with TGFBR1-related conditions. ClinVar contains an entry for this variant (Variation ID: 1770210). Experimental studies and prediction algorithms are not available or were not evaluated, and the functional significance of this variant is currently unknown. In summary, the available evidence is currently insufficient to determine the role of this variant in disease. Therefore, it has been classified as a Variant of Uncertain Significance.

Ambry Genetics
Classification: Uncertain significance for Familial thoracic aortic aneurysm and aortic dissection. Last evaluated: 2018-04-03. Review status: criteria provided, single submitter. Criteria: Ambry Variant Classification Scheme 2023. Collection method: clinical testing. Allele origin: germline.
Comment: The c.1029_1031delGAA variant (also known as p.K343del) is located in coding exon 6 of the TGFBR1 gene. This variant results from an in-frame GAA deletion at nucleotide positions 1029 to 1031. This results in the in-frame deletion of a lysine at codon 343. This amino acid position is highly conserved in available vertebrate species. Since supporting evidence is limited at this time, the clinical significance of this alteration remains unclear.